The following is an entry in ClinVar:

NM_004750.5(CRLF1):c.127A>T (p.Ile43Phe)

Gene: CRLF1 (cytokine receptor like factor 1; minus strand). Cytogenetic location: 19p13.11.
Variant type: single nucleotide variant.
Coding change: c.127A>T on transcript NM_004750.5 (MANE Select); coding-DNA position 127, A replaced by T.
Protein change: p.Ile43Phe; replaces isoleucine 43 with phenylalanine.
Molecular consequence: missense variant.
Genome position (GRCh38, 1-based): chr19:18,599,835, T>A on the plus strand (A>T on the coding strand, the complement: CRLF1 is on the minus strand). VCF-style: chr19-18599835-T-A. GRCh37 (hg19) VCF-style: chr19-18710645-T-A.
Other names: short protein forms I43F.
Identifiers: ClinVar variation 3900430 (VCV003900430.1).

ClinVar aggregate classification (germline): Uncertain significance (1 of 4 stars; one submission).

gnomAD v4.1: 1 of 1,539,844 alleles (0.000065%); highest among the groups gnomAD compares: East Asian, 0.0023%; no homozygotes.

Submission:

GeneDx
Classification: Uncertain significance. Last evaluated: 2024-11-20. Review status: criteria provided, single submitter. Criteria: GeneDx Variant Classification Process June 2021. Collection method: clinical testing. Allele origin: germline. Affected: yes.
Comment: Not observed at significant frequency in large population cohorts (gnomAD); In silico analysis supports that this missense variant has a deleterious effect on protein structure/function; Has not been previously published as pathogenic or benign to our knowledge